The following is an entry in ClinVar:

ClinVar aggregate classification (germline): Pathogenic (1 of 4 stars; one submission).

Conditions:
Progressive myoclonic epilepsy. Also called: Familial progressive myoclonic epilepsy; Myoclonus epilepsy; Progressive myoclonus epilepsy; Myoclonic Epilepsies, Progressive. Identifiers: Orphanet 308, Orphanet 98261, MedGen C0751778, MONDO:0020074.

Submission:

Labcorp Genetics (formerly Invitae), Labcorp
Classification: Pathogenic for Progressive myoclonic epilepsy. Last evaluated: 2019-05-23. Review status: criteria provided, single submitter. Criteria: Invitae Variant Classification Sherloc (09022015). Collection method: clinical testing. Allele origin: germline.
Comment: A gross deletion of the genomic region encompassing the full coding sequence of the CSTB gene has been identified. The boundaries of this event are unknown as the deletion extends beyond the assayed region for this gene and therefore may encompass additional genes. This variant has not been reported in the literature in individuals with CSTB-related conditions. Loss-of-function variants in CSTB are known to be pathogenic (PMID: 8596935). For these reasons, this variant has been classified as Pathogenic.

NC_000021.8:g.(?_44838120)_(45629566_?)del

Genes: HSF2BP (heat shock transcription factor 2 binding protein; minus strand), PDXK (pyridoxal kinase; plus strand), PWP2 (PWP2 small subunit processome component; plus strand), RRP1 (ribosomal RNA processing 1; plus strand), RRP1B (ribosomal RNA processing 1B; plus strand) and 5 more. Cytogenetic location: 21q22.3.
Variant type: Deletion.
Identifiers: ClinVar variation 830406 (VCV000830406.1).